The following is an entry in ClinVar:

NM_145207.3(AFG2A):c.1064T>C (p.Ile355Thr)

Gene: AFG2A (AAA ATPase AFG2A; plus strand). Cytogenetic location: 4q28.1.
Variant type: single nucleotide variant.
Coding change: c.1064T>C on transcript NM_145207.3 (MANE Select); coding-DNA position 1064, T replaced by C.
Protein change: p.Ile355Thr; replaces isoleucine 355 with threonine.
Molecular consequence: missense variant.
Genome position (GRCh38, 1-based): chr4:122,934,655, T>C. VCF-style: chr4-122934655-T-C. GRCh37 (hg19) VCF-style: chr4-123855810-T-C.
Other names: c.1061T>C, p.Ile354Thr (NM_001317799.2, NM_001345856.2); short protein forms I354T, I355T.
Identifiers: ClinVar variation 1466177 (VCV001466177.7), dbSNP rs751213743, ClinGen allele CA104813598.
Genomic context (GRCh38, chr4:122,934,655, plus strand): 5'-CAGAGATTGATAAAAATTCAAAAGAGCAAGACAACCAATTCAAAGTAACTTATGACATGA[T>C]AGGAGGATTAAGTAGCCAGCTGAAAGCAATTAGAGAAATAATTGAATTGCCCCTCAAACA-3'
Protein context (NP_660208.2, residues 345-365): DNQFKVTYDM[Ile355Thr]GGLSSQLKAI

ClinVar aggregate classification (germline): Likely pathogenic (1 of 4 stars; one submission).

Conditions:
Microcephaly-intellectual disability-sensorineural hearing loss-epilepsy-abnormal muscle tone syndrome (NEDHSB). Also called: NEURODEVELOPMENTAL DISORDER WITH HEARING LOSS, SEIZURES, AND BRAIN ABNORMALITIES. Identifiers: Orphanet 457351, MedGen C4225276, MONDO:0014698, OMIM 616577.

Allele frequency attached by ClinVar (database versions not stated): gnomAD exomes below 0.00001.
gnomAD v4.1: 2 of 1,611,978 alleles (0.00012%); highest among the groups gnomAD compares: Non-Finnish European, 0.00017%; no homozygotes.

Submission:

Labcorp Genetics (formerly Invitae), Labcorp
Classification: Likely pathogenic for Microcephaly-intellectual disability-sensorineural hearing loss-epilepsy-abnormal muscle tone syndrome. Last evaluated: 2021-03-02. Review status: criteria provided, single submitter. Criteria: Invitae Variant Classification Sherloc (09022015). Collection method: clinical testing. Allele origin: germline.
Comment: In summary, the currently available evidence indicates that the variant is pathogenic, but additional data are needed to prove that conclusively. Therefore, this variant has been classified as Likely Pathogenic. Advanced modeling of protein sequence and biophysical properties (such as structural, functional, and spatial information, amino acid conservation, physicochemical variation, residue mobility, and thermodynamic stability) performed at Invitae indicates that this missense variant is expected to disrupt SPATA5 protein function. This variant has been observed in individual(s) with SPATA5-related conditions (Invitae). In at least one individual the data is consistent with the variant being in trans (on the opposite chromosome) from a pathogenic variant. This variant is not present in population databases (ExAC no frequency). This sequence change replaces isoleucine with threonine at codon 355 of the SPATA5 protein (p.Ile355Thr). The isoleucine residue is highly conserved and there is a moderate physicochemical difference between isoleucine and threonine.